The following is an entry in ClinVar:

NM_002185.5(IL7R):c.752del (p.Phe251fs)

Gene: IL7R (interleukin 7 receptor; plus strand). Cytogenetic location: 5p13.2.
Variant type: Deletion.
Coding change: c.752del on transcript NM_002185.5 (MANE Select); coding-DNA position 752, one base deleted (T; older notation c.752delT).
Protein change: p.Phe251fs; shifts the reading frame from phenylalanine 251.
Molecular consequence: frameshift variant. On other transcripts: intron variant (1).
Genome position (GRCh38, 1-based): chr5:35,874,494, T deleted; the last of 6 consecutive T bases (chr5:35,874,489-35,874,494); deleting any one gives the same sequence. VCF-style (leftmost placement, unchanged base first): chr5-35874488-GT-G. GRCh37 (hg19) VCF-style: chr5-35874590-GT-G.
Other names: c.706+846del (NM_001410734.1); short protein forms F251fs.
Identifiers: ClinVar variation 2982246 (VCV002982246.3), dbSNP rs748801798, ClinGen allele CA3232080.
Genomic context (GRCh38, chr5:35,874,488, plus strand): 5'-CAATCTATTCTTGCTTTCCAGGGGAGATGGATCCTATCTTACTAACCATCAGCATTTTGA[GT>G]TTTTTCTCTGTCGCTCTGTTGGTCATCTTGGCCTGTGTGTTATGGAAAAAAAGGTGACCT-3'

ClinVar aggregate classification (germline): Pathogenic (1 of 4 stars; one submission).

Conditions:
Immunodeficiency 104. Also called: Severe combined immunodeficiency, autosomal recessive, T cell-negative, B cell-positive, NK cell-positive; Severe Combined Immune Deficiency, Autosomal Recessive, TCell -Negative, B Cell-Positive, NK Cell-Positive, IL7R-Related; IMMUNODEFICIENCY 104, SEVERE COMBINED; SCID, AUTOSOMAL RECESSIVE, T CELL-NEGATIVE, B CELL-POSITIVE, NK CELL-POSITIVE. Identifiers: MedGen C5676890, MONDO:0012163, OMIM 608971.

Submission:

Labcorp Genetics (formerly Invitae), Labcorp
Classification: Pathogenic for Immunodeficiency 104. Last evaluated: 2023-08-30. Review status: criteria provided, single submitter. Criteria: Invitae Variant Classification Sherloc (09022015). Collection method: clinical testing. Allele origin: germline.
Comment: This variant is present in population databases (rs748801798, gnomAD 0.004%). For these reasons, this variant has been classified as Pathogenic. This variant disrupts a region of the IL7R protein in which other variant(s) (p.Gln331Hisfs*2) have been determined to be pathogenic (PMID: 26123418). This suggests that this is a clinically significant region of the protein, and that variants that disrupt it are likely to be disease-causing. This variant has not been reported in the literature in individuals affected with IL7R-related conditions. This sequence change creates a premature translational stop signal (p.Phe251Serfs*44) in the IL7R gene. While this is not anticipated to result in nonsense mediated decay, it is expected to disrupt the last 209 amino acid(s) of the IL7R protein.

Literature cited by the submitters: PubMed 26123418.